The following is an entry in ClinVar:

NM_000186.4(CFH):c.3425A>G (p.Tyr1142Cys)

Gene: CFH (complement factor H; plus strand). Cytogenetic location: 1q31.3.
Variant type: single nucleotide variant.
Coding change: c.3425A>G on transcript NM_000186.4 (MANE Select); coding-DNA position 3425, A replaced by G.
Protein change: p.Tyr1142Cys; replaces tyrosine 1142 with cysteine.
Molecular consequence: missense variant.
Genome position (GRCh38, 1-based): chr1:196,745,931, A>G. VCF-style: chr1-196745931-A-G. GRCh37 (hg19) VCF-style: chr1-196715061-A-G.
Other names: short protein forms Y1142C.
Identifiers: ClinVar variation 4291570 (VCV004291570.1).

ClinVar aggregate classification (germline): Uncertain significance (1 of 4 stars; one submission).

Conditions:
Atypical hemolytic-uremic syndrome. Identifiers: Orphanet 2134, MedGen C2931788, MONDO:0016244.

Submission:

Genomenon, Inc
Classification: Uncertain significance for Atypical hemolytic-uremic syndrome. Last evaluated: 2025-10-02. Review status: criteria provided, single submitter. Criteria: Genomenon Sequence Variant Interpretation Standards - Updated. Collection method: curation. Allele origin: germline. Affected: yes.
Comment: CFH p.Tyr1142Cys (c.3425A>G) is a missense variant that changes the amino acid at residue 1142 from Tyrosine to Cysteine. This variant has been observed in at least one proband affected with atypical hemolytic-uremic syndrome (PMID:18423815). Functional studies have been reported (PMID:34189567). It is absent or not present at a significant frequency in gnomAD. In conclusion, we classify CFH p.Tyr1142Cys (c.3425A>G) as a variant of uncertain significance.

Literature cited by the submitters: PubMed 18423815; PubMed 34189567.